The following is an entry in ClinVar:

NM_133433.4(NIPBL):c.5241T>G (p.Thr1747=)

Gene: NIPBL (NIPBL cohesin loading factor; plus strand). Cytogenetic location: 5p13.2.
Variant type: single nucleotide variant.
Coding change: c.5241T>G on transcript NM_133433.4 (MANE Select); coding-DNA position 5241, T replaced by G.
Protein change: p.Thr1747=; no amino-acid change (threonine 1747 retained).
Molecular consequence: synonymous variant.
Genome position (GRCh38, 1-based): chr5:37,020,790, T>G. VCF-style: chr5-37020790-T-G. GRCh37 (hg19) VCF-style: chr5-37020892-T-G.
Other names: c.5241T>G, p.Thr1747= (NM_015384.5).
Identifiers: ClinVar variation 3029596 (VCV003029596.3), dbSNP rs775399549, ClinGen allele CA3236736.

ClinVar aggregate classification (germline): Likely benign. Review status: criteria provided, single submitter (1 of 4 stars). 2 submissions from 2 submitters: Likely benign (1). 1 of the submissions does not count toward it. Last evaluated 2021-04-12.

Conditions:
NIPBL-related disorder. Also called: NIPBL-related condition.

Allele frequency attached by ClinVar (database versions not stated): 1000 Genomes Project 30x 0.00016.
gnomAD v4.1: 69 of 1,614,090 alleles (0.0043%); highest among the groups gnomAD compares: South Asian, 0.072%; 1 homozygote.

Submissions (2):

Blueprint Genetics
Classification: Likely benign. Last evaluated: 2021-04-12. Review status: criteria provided, single submitter. Criteria: ACMG Guidelines, 2015. Collection method: clinical testing. Allele origin: germline.

PreventionGenetics, part of Exact Sciences
Classification: Likely benign for NIPBL-related condition. Last evaluated: 2022-03-15. Review status: no assertion criteria provided. Collection method: clinical testing. Allele origin: germline. Not counted in ClinVar's aggregate classification.
Comment: This variant is classified as likely benign based on ACMG/AMP sequence variant interpretation guidelines (Richards et al. 2015 PMID: 25741868, with internal and published modifications).